The following is an entry in ClinVar:

NM_001271696.3(ABCB7):c.1589A>G (p.Tyr530Cys)

Gene: ABCB7 (ATP binding cassette subfamily B member 7; minus strand). Cytogenetic location: Xq13.3.
Variant type: single nucleotide variant.
Coding change: c.1589A>G on transcript NM_001271696.3 (MANE Select); coding-DNA position 1589, A replaced by G.
Protein change: p.Tyr530Cys; replaces tyrosine 530 with cysteine.
Molecular consequence: missense variant.
Genome position (GRCh38, 1-based): chrX:75,069,077, T>C on the plus strand (A>G on the coding strand, the complement: ABCB7 is on the minus strand). VCF-style: chrX-75069077-T-C. GRCh37 (hg19) VCF-style: chrX-74288912-T-C.
Other names: p.Y531C:TAT>TGT; c.1469A>G, p.Tyr490Cys (NM_001271697.3); c.1511A>G, p.Tyr504Cys (NM_001271698.3); c.1472A>G, p.Tyr491Cys (NM_001271699.3); c.1592A>G, p.Tyr531Cys (NM_004299.6); short protein forms Y531C, Y530C, Y504C, Y491C, Y490C.
Identifiers: ClinVar variation 213983 (VCV000213983.8), dbSNP rs199687417, ClinGen allele CA320036.

ClinVar aggregate classification (germline): Benign/Likely benign. Review status: criteria provided, multiple submitters, no conflicts (2 of 4 stars). 3 submissions from 3 submitters: Benign (2); Likely benign (1). Last evaluated 2025-12-15.

Allele frequency attached by ClinVar (database versions not stated): gnomAD 0.00001 and 0.00022; TOPMed 0.00005; gnomAD exomes 0.00047 and 0.00097; 1000 Genomes Project 30x 0.00083; ExAC 0.00098; 1000 Genomes Project 0.00106.
gnomAD v4.1: 551 of 1,207,451 alleles (0.046%); highest among the groups gnomAD compares: South Asian, 0.89%; 4 homozygotes.

Submissions (3):

Labcorp Genetics (formerly Invitae), Labcorp
Classification: Benign. Last evaluated: 2025-12-15. Review status: criteria provided, single submitter. Criteria: Invitae Variant Classification Sherloc (09022015). Collection method: clinical testing. Allele origin: germline.

Blueprint Genetics
Classification: Likely benign. Last evaluated: 2024-11-18. Review status: criteria provided, single submitter. Criteria: ACMG Guidelines, 2015. Collection method: clinical testing. Allele origin: germline.

GeneDx
Classification: Benign. Last evaluated: 2021-03-03. Review status: criteria provided, single submitter. Criteria: GeneDx Variant Classification Process June 2021. Collection method: clinical testing. Allele origin: germline. Affected: yes.
Comment: In silico analysis, which includes protein predictors and evolutionary conservation, supports that this variant does not alter protein structure/function